The following is an entry in ClinVar:

NM_020632.3(ATP6V0A4):c.1956G>A (p.Pro652=)

Gene: ATP6V0A4 (ATPase H+ transporting V0 subunit a4; minus strand). Cytogenetic location: 7q34.
Variant type: single nucleotide variant.
Coding change: c.1956G>A on transcript NM_020632.3 (MANE Select); coding-DNA position 1956, G replaced by A.
Protein change: p.Pro652=; no amino-acid change (proline 652 retained).
Molecular consequence: synonymous variant.
Genome position (GRCh38, 1-based): chr7:138,728,815, C>T on the plus strand (G>A on the coding strand, the complement: ATP6V0A4 is on the minus strand). VCF-style: chr7-138728815-C-T. GRCh37 (hg19) VCF-style: chr7-138413560-C-T.
Other names: c.1956G>A, p.Pro652= (NM_130840.3, NM_130841.3).
Identifiers: ClinVar variation 359011 (VCV000359011.15), dbSNP rs141411124, ClinGen allele CA4504581.

ClinVar aggregate classification (germline): Benign/Likely benign. Review status: criteria provided, multiple submitters, no conflicts (2 of 4 stars). 4 submissions from 4 submitters: Benign (3); Likely benign (1). Last evaluated 2026-08-01.

Conditions:
Autosomal recessive distal renal tubular acidosis. Identifiers: Orphanet 402041, MedGen C1864498, MONDO:0018440.

Allele frequency attached by ClinVar (database versions not stated): ESP Exome Variant Server 0.00023; gnomAD exomes 0.00054 and 0.00166; gnomAD 0.00060 and 0.00075; TOPMed 0.00117; ExAC 0.00138; 1000 Genomes Project 0.00359; 1000 Genomes Project 30x 0.00359.
gnomAD v4.1: 944 of 1,614,144 alleles (0.058%); highest among the groups gnomAD compares: East Asian, 1.2%; 5 homozygotes.

Submissions (4):

CeGaT Center for Human Genetics Tuebingen
Classification: Likely benign. Last evaluated: 2026-08-01. Review status: criteria provided, single submitter. Criteria: CeGaT Center For Human Genetics Tuebingen Variant Classification Criteria Version 2. Collection method: clinical testing. Allele origin: germline. Affected: yes. Observed: 1 variant allele.
Comment: ATP6V0A4: BP4, BP7, BS1

Labcorp Genetics (formerly Invitae), Labcorp
Classification: Benign. Last evaluated: 2026-01-26. Review status: criteria provided, single submitter. Criteria: Invitae Variant Classification Sherloc (09022015). Collection method: clinical testing. Allele origin: germline.

Illumina Laboratory Services, Illumina
Classification: Benign for Renal tubular acidosis, distal, 3, with or without sensorineural hearing loss. Last evaluated: 2018-01-12. Review status: criteria provided, single submitter. Criteria: ICSL Variant Classification Criteria 13 December 2019. Collection method: clinical testing. Allele origin: germline.
Comment: This variant was observed in the ICSL laboratory as part of a predisposition screen in an ostensibly healthy population. It had not been previously curated by ICSL or reported in the Human Gene Mutation Database (HGMD: prior to June 1st, 2018), and was therefore a candidate for classification through an automated scoring system. Utilizing variant allele frequency, disease prevalence and penetrance estimates, and inheritance mode, an automated score was calculated to assess if this variant is too frequent to cause the disease. Based on the score and internal cut-off values, a variant classified as benign is not then subjected to further curation. The score for this variant resulted in a classification of benign for this disease.

Breakthrough Genomics
Classification: Benign. Review status: criteria provided, single submitter. Criteria: ACMG Guidelines, 2015. Collection method: not provided. Allele origin: germline. Inheritance: Autosomal recessive inheritance. Affected: yes.